The following is an entry in ClinVar:

ClinVar aggregate classification (germline): Uncertain significance (1 of 4 stars; one submission).

Submission:

Women's Health and Genetics/Laboratory Corporation of America, LabCorp
Classification: Uncertain significance. Last evaluated: 2024-08-27. Review status: criteria provided, single submitter. Criteria: LabCorp Variant Classification Summary - May 2015. Collection method: clinical testing. Allele origin: germline.
Comment: Variant summary: The variant involves the deletion of exons 8-9 in the CEP290 gene. A presumed nomenclature of c.(495+1_496-1)_(669+1_670-1)del has been designated for the purposes of this classification. This Copy Number Variant (CNV) is predicted to result in an in-frame deletion within this gene. The variant was absent in 21694 control chromosomes. The available data on variant occurrences in the general population are insufficient to allow any conclusion about variant significance. To our knowledge, no occurrence of c.(495+1_496-1)_(669+1_670-1)del in individuals affected with CEP290-related conditions and no experimental evidence demonstrating its impact on protein function have been reported. No submitters have cited clinical-significance assessments for this variant to ClinVar. Based on the evidence outlined above, the variant was classified as uncertain significance.

NC_000012.11:g.(88523654_88524044)_(88524343_88524941)del

Gene: CEP290 (centrosomal protein 290; minus strand). Cytogenetic location: 12q21.32.
Variant type: Deletion.
Identifiers: ClinVar variation 3366562 (VCV003366562.1).